The following is an entry in ClinVar:

NM_001379610.1(SPINK1):c.25C>G (p.Leu9Val)

Gene: SPINK1 (serine peptidase inhibitor Kazal type 1; minus strand). Cytogenetic location: 5q32.
Variant type: single nucleotide variant.
Coding change: c.25C>G on transcript NM_001379610.1 (MANE Select); coding-DNA position 25, C replaced by G.
Protein change: p.Leu9Val; replaces leucine 9 with valine.
Molecular consequence: missense variant.
Genome position (GRCh38, 1-based): chr5:147,831,553, G>C on the plus strand (C>G on the coding strand, the complement: SPINK1 is on the minus strand). VCF-style: chr5-147831553-G-C. GRCh37 (hg19) VCF-style: chr5-147211116-G-C.
Other names: c.25C>G, p.Leu9Val (NM_001354966.2, NM_003122.5); short protein forms L9V.
Identifiers: ClinVar variation 1793646 (VCV001793646.2), dbSNP rs1756508319, ClinGen allele CA361885541.

ClinVar aggregate classification (germline): Uncertain significance (1 of 4 stars; one submission).

Conditions:
Hereditary pancreatitis (PCTT). Also called: Hereditary chronic pancreatitis; PRSS1-Related Hereditary Pancreatitis. Identifiers: Orphanet 676, MedGen C0238339, MONDO:0008185, OMIM 167800.

Allele frequency attached by ClinVar (database versions not stated): TOPMed below 0.00001.

Submission:

Ambry Genetics
Classification: Uncertain significance for Hereditary pancreatitis. Last evaluated: 2021-12-05. Review status: criteria provided, single submitter. Criteria: Ambry Variant Classification Scheme 2023. Collection method: clinical testing. Allele origin: germline.
Comment: The p.L9V variant (also known as c.25C>G), located in coding exon 1 of the SPINK1 gene, results from a C to G substitution at nucleotide position 25. The leucine at codon 9 is replaced by valine, an amino acid with highly similar properties. This amino acid position is conserved. In addition, the in silico prediction for this alteration is inconclusive. Since supporting evidence is limited at this time, the clinical significance of this alteration remains unclear.